The following is an entry in ClinVar:

ClinVar aggregate classification (germline): not provided (0 of 4 stars; one submission).

Conditions:
Preeclampsia. Identifiers: Orphanet 275555, MedGen C0032914, MONDO:0005081, HP:0100602.

Submission:

Institute of Molecular and Cell Biology, University of Tartu
No classification provided. Condition: Preeclampsia. Review status: no classification provided. Collection method: case-control. Allele origin: unknown. Affected: yes. Study: Kasak2014.
Comment: The study aimed to determine the contribution of copy number variants in the genetic etiology of normal and complicated pregnancies. The samples represented (i) maternal blood DNA drawn from healthy pregnant women during 1st or 2nd trimester and (ii) maternal and paternal blood DNA drawn at term pregnancy cases representing normal and complicated gestations (severe preeclampsia, PE; gestational diabetes, GD; small-for-gestational age newborn, SGA; large-for-gestational age newborn, LGA). We performed CNV calling based on genome-wide genotyping dataset (Illumina HumanOmniExpress-24-v1 BeadChip) by applying three algorithms, QuantiSNP, GADA (Genome Alteration Detection Algorithm) and CNstream in parallel. The acquired CNV calls were merged with HD-CNV (Hotspot Detector for Copy Number Variants) program and only the CNVs predicted by at least two programs, were considered in subsequent analysis.

Literature cited by the submitters: PubMed 25666259.

NC_000014.9:g.40385828_40389224del

Variant type: Deletion.
Genome position: GRCh38: chr14:40,385,828-40,389,224. GRCh37 (hg19): chr14:40,855,032-40,858,428.
Identifiers: ClinVar variation 157306 (VCV000157306.3), ClinGen allele CA212378.